The following is an entry in ClinVar:

NM_001165963.4(SCN1A):c.3295G>T (p.Glu1099Ter)

Genes: SCN1A (sodium voltage-gated channel alpha subunit 1; minus strand), LOC102724058 (uncharacterized LOC102724058; plus strand). Cytogenetic location: 2q24.3.
Variant type: single nucleotide variant.
Coding change: c.3295G>T on transcript NM_001165963.4 (MANE Select); coding-DNA position 3295, G replaced by T.
Protein change: p.Glu1099Ter; replaces glutamic acid 1099 with a stop codon.
Molecular consequence: nonsense. On other transcripts: non-coding transcript variant (2).
Genome position (GRCh38, 1-based): chr2:166,036,182, C>A on the plus strand (G>T on the coding strand, the complement: SCN1A is on the minus strand). VCF-style: chr2-166036182-C-A. GRCh37 (hg19) VCF-style: chr2-166892692-C-A.
Other names: c.3211G>T, p.Glu1071Ter (NM_001165964.3, NM_001353957.2, NM_001353958.2); c.3295G>T, p.Glu1099Ter (NM_001202435.3, NM_001353948.2); c.3262G>T, p.Glu1088Ter (NM_001353949.2, NM_001353950.2, NM_001353951.2 and 2 more transcripts); c.3259G>T, p.Glu1087Ter (NM_001353954.2, NM_001353955.2); c.3208G>T, p.Glu1070Ter (NM_001353960.2); c.853G>T, p.Glu285Ter (NM_001353961.2); short protein forms E1088*, E1099*, E1070*, E1071*, E285*, E1087*.
Identifiers: ClinVar variation 449375 (VCV000449375.2), dbSNP rs1553540207, ClinGen allele CA349059370.

ClinVar aggregate classification (germline): Pathogenic (1 of 4 stars; one submission).

Submission:

GeneDx
Classification: Pathogenic. Last evaluated: 2018-05-14. Review status: criteria provided, single submitter. Criteria: GeneDx Variant Classification (06012015). Collection method: clinical testing. Allele origin: germline. Affected: yes.
Comment: The E1099X nonsense variant in the SCN1A gene has been reported as a de novo pathogenic variant multiple times in association with SCN1A-related disorders (Mancardi et al., 2006; Riva et al., 2009). This pathogenic variant is predicted to cause loss of normal protein function either through protein truncation or nonsense-mediated mRNA decay. Functional studies in a mouse model demonstrate that E1099X results in progressively impaired structural and functional development of hippocampaldentate gyrus granule cells (Tsai et al., 2015). Furthermore, this variant is not observed in largepopulation cohorts (Lek et al., 2016). Therefore, the presence of E1099X is consistent with thediagnosis of an SCN1A-related disorder in this individual.